The following is an entry in ClinVar:

ClinVar aggregate classification (germline): Pathogenic (1 of 4 stars; one submission).

Submission:

Labcorp Genetics (formerly Invitae), Labcorp
Classification: Pathogenic. Last evaluated: 2022-11-04. Review status: criteria provided, single submitter. Criteria: Invitae Variant Classification Sherloc (09022015). Collection method: clinical testing. Allele origin: germline.
Comment: For these reasons, this variant has been classified as Pathogenic. This variant has not been reported in the literature in individuals affected with LRP6-related conditions. This variant is not present in population databases (gnomAD no frequency). This sequence change creates a premature translational stop signal (p.Gln842Leufs*9) in the LRP6 gene. It is expected to result in an absent or disrupted protein product. Loss-of-function variants in LRP6 are known to be pathogenic (PMID: 26387593).

Literature cited by the submitters: PubMed 26387593.

NM_002336.3(LRP6):c.2523_2531delinsTCTTGGTACTAACTCAGTATCTCAGTAACTTGGTCCAG (p.Gln842_Tyr844delinsLeuGlyThrAsnSerValSerGlnTer)

Gene: LRP6 (LDL receptor related protein 6; minus strand). Cytogenetic location: 12p13.2.
Variant type: Indel.
Coding change: c.2523_2531delinsTCTTGGTACTAACTCAGTATCTCAGTAACTTGGTCCAG on transcript NM_002336.3 (MANE Select); coding-DNA positions 2523 to 2531, the reference bases replaced by an inserted sequence.
Protein change: p.Gln842_Tyr844delinsLeuGlyThrAsnSerValSerGlnTer.
Molecular consequence: nonsense. On other transcripts: non-coding transcript variant (1).
Genome position (GRCh38, 1-based): chr12:12,159,089-12,159,097, 9 bases replaced. GRCh37 (hg19): chr12:12,312,023-12,312,031.
Other names: c.2523_2531delinsTCTTGGTACTAACTCAGTATCTCAGTAACTTGGTCCAG, p.Gln842_Tyr844delinsLeuGlyThrAsnSerValSerGlnTer (NM_001414244.1, NM_001414245.1, NM_001414246.1 and 4 more transcripts); c.2325_2333delinsTCTTGGTACTAACTCAGTATCTCAGTAACTTGGTCCAG, p.Gln776_Tyr778delinsLeuGlyThrAsnSerValSerGlnTer (NM_001414247.1); c.2070_2078delinsTCTTGGTACTAACTCAGTATCTCAGTAACTTGGTCCAG, p.Gln691_Tyr693delinsLeuGlyThrAsnSerValSerGlnTer (NM_001414252.1, NM_001414253.1, NM_001414254.1); c.2016_2024delinsTCTTGGTACTAACTCAGTATCTCAGTAACTTGGTCCAG, p.Gln673_Tyr675delinsLeuGlyThrAsnSerValSerGlnTer (NM_001414255.1).
Identifiers: ClinVar variation 2812056 (VCV002812056.3), dbSNP rs2498826813, ClinGen allele CA2739271864.